The following is an entry in ClinVar:

NM_004380.3(CREBBP):c.4612C>T (p.Pro1538Ser)

Gene: CREBBP (CREB binding lysine acetyltransferase; minus strand). Cytogenetic location: 16p13.3.
Variant type: single nucleotide variant.
Coding change: c.4612C>T on transcript NM_004380.3 (MANE Select); coding-DNA position 4612, C replaced by T.
Protein change: p.Pro1538Ser; replaces proline 1538 with serine.
Molecular consequence: missense variant.
Genome position (GRCh38, 1-based): chr16:3,736,152, G>A on the plus strand (C>T on the coding strand, the complement: CREBBP is on the minus strand). VCF-style: chr16-3736152-G-A. GRCh37 (hg19) VCF-style: chr16-3786153-G-A.
Other names: c.4498C>T, p.Pro1500Ser (NM_001079846.1); short protein forms P1500S, P1538S.
Identifiers: ClinVar variation 2862378 (VCV002862378.3), dbSNP rs2548362078, ClinGen allele CA394562739.

ClinVar aggregate classification (germline): Uncertain significance (1 of 4 stars; one submission).

Conditions:
Rubinstein-Taybi syndrome (RSTS). Identifiers: Orphanet 783, MedGen C0035934, MONDO:0019188.

Submission:

Labcorp Genetics (formerly Invitae), Labcorp
Classification: Uncertain significance for Rubinstein-Taybi syndrome. Last evaluated: 2023-05-06. Review status: criteria provided, single submitter. Criteria: Invitae Variant Classification Sherloc (09022015). Collection method: clinical testing. Allele origin: germline.
Comment: In summary, the available evidence is currently insufficient to determine the role of this variant in disease. Therefore, it has been classified as a Variant of Uncertain Significance. Advanced modeling of protein sequence and biophysical properties (such as structural, functional, and spatial information, amino acid conservation, physicochemical variation, residue mobility, and thermodynamic stability) has been performed at Invitae for this missense variant, however the output from this modeling did not meet the statistical confidence thresholds required to predict the impact of this variant on CREBBP protein function. This variant has not been reported in the literature in individuals affected with CREBBP-related conditions. This variant is not present in population databases (gnomAD no frequency). This sequence change replaces proline, which is neutral and non-polar, with serine, which is neutral and polar, at codon 1538 of the CREBBP protein (p.Pro1538Ser).